The following is an entry in ClinVar:

NM_001378615.1(CC2D2A):c.3613dup (p.Ile1205fs)

Genes: CC2D2A (coiled-coil and C2 domain containing 2A; plus strand), FBXL5 (F-box and leucine rich repeat protein 5; minus strand). Cytogenetic location: 4p15.32.
Variant type: Duplication.
Coding change: c.3613dup on transcript NM_001378615.1 (MANE Select); coding-DNA position 3613, one base duplicated (A; older notation c.3613dupA).
Protein change: p.Ile1205fs; shifts the reading frame from isoleucine 1205.
Molecular consequence: frameshift variant.
Genome position (GRCh38, 1-based): chr4:15,574,168, A duplicated; the last of 4 consecutive A bases (chr4:15,574,165-15,574,168); duplicating any one gives the same sequence. VCF-style (leftmost placement, unchanged base first): chr4-15574164-T-TA. GRCh37 (hg19) VCF-style: chr4-15575787-T-TA.
Other names: c.3613dup, p.Ile1205fs (NM_001080522.2); c.3466dup, p.Ile1156fs (NM_001378617.1); short protein forms I1156fs, I1205fs.
Identifiers: ClinVar variation 3382631 (VCV003382631.2).

ClinVar aggregate classification (germline): Pathogenic (1 of 4 stars; one submission).

Conditions:
Retinitis pigmentosa 93. Identifiers: MedGen C5676970, MONDO:0030797, OMIM 619845.
COACH syndrome 2. Identifiers: MedGen C5436837, MONDO:0030859, OMIM 619111.
Meckel syndrome, type 6. Identifiers: Orphanet 564, MedGen C2676790, MONDO:0012848, OMIM 612284.
Joubert syndrome 9 (JBTS9). Identifiers: Orphanet 2318, MedGen C2676788, MONDO:0012849, OMIM 612285.

Submission:

Juno Genomics, Hangzhou Juno Genomics, Inc
Classification: Pathogenic for COACH syndrome 2; Joubert syndrome 9; Meckel syndrome, type 6; Retinitis pigmentosa 93. Review status: criteria provided, single submitter. Criteria: ACMG Guidelines, 2015. Collection method: clinical testing. Allele origin: germline. Affected: yes.
Comment: Null variant in a gene where loss of function (LOF) is a known mechanism of disease.;Absent from controls (or at extremely low frequency if recessive) in Genome Aggregation Database, Exome Sequencing Project, 1000 Genomes Project, or Exome Aggregation Consortium.;Patient's phenotype or family history is highly specific for a disease with a single genetic etiology.